The following is an entry in ClinVar:

NM_001103.4(ACTN2):c.242-9A>G

Gene: ACTN2 (actinin alpha 2; plus strand). Cytogenetic location: 1q43.
Variant type: single nucleotide variant.
Coding change: c.242-9A>G on transcript NM_001103.4 (MANE Select); 9 bases into the intron before coding-DNA position 242, A replaced by G.
Molecular consequence: intron variant.
Genome position (GRCh38, 1-based): chr1:236,718,885, A>G. VCF-style: chr1-236718885-A-G. GRCh37 (hg19) VCF-style: chr1-236882185-A-G.
Other names: c.242-9A>G (NM_001103.3, NM_001278343.2).
Identifiers: ClinVar variation 2948609 (VCV002948609.4), dbSNP rs2527538074, ClinGen allele CA2740092631.

ClinVar aggregate classification (germline): Likely benign. Review status: criteria provided, multiple submitters, no conflicts (2 of 4 stars). 2 submissions from 2 submitters: Likely benign (2). Last evaluated 2026-04-07.

Conditions:
Dilated cardiomyopathy 1AA (CMD1AA). Also called: CARDIOMYOPATHY, DILATED, 1AA, WITH OR WITHOUT LEFT VENTRICULAR NONCOMPACTION; CARDIOMYOPATHY, FAMILIAL HYPERTROPHIC, 23, WITH OR WITHOUT LEFT VENTRICULAR NONCOMPACTION; Cardiomyopathy, dilated, 1AA, with or without LVNC. Identifiers: Orphanet 154, MedGen C2677338, MONDO:0012808, OMIM 612158.
Primary familial hypertrophic cardiomyopathy (HCM). Identifiers: Orphanet 99739, MedGen C0949658, MeSH D024741, MONDO:0024573. Inheritance: Various modes of inheritance.
ACTN2-related disorder. Also called: ACTN2 related condition; ACTN2-related disorders.

Submissions (2):

PreventionGenetics, part of Exact Sciences
Classification: Likely benign for ACTN2-related condition. Last evaluated: 2026-04-07. Review status: criteria provided, single submitter. Criteria: ACMG Guidelines, 2015. Collection method: clinical testing. Allele origin: germline.
Comment: This variant is classified as likely benign based on ACMG/AMP sequence variant interpretation guidelines (Richards et al. 2015 PMID: 25741868, with internal and published modifications).

Labcorp Genetics (formerly Invitae), Labcorp
Classification: Likely benign for Primary familial hypertrophic cardiomyopathy; Dilated cardiomyopathy 1AA. Last evaluated: 2023-06-06. Review status: criteria provided, single submitter. Criteria: Invitae Variant Classification Sherloc (09022015). Collection method: clinical testing. Allele origin: germline.